The following is an entry in ClinVar:

NM_001145715.3(KPNA7):c.460G>A (p.Glu154Lys)

Gene: KPNA7 (karyopherin subunit alpha 7; minus strand). Cytogenetic location: 7q22.1.
Variant type: single nucleotide variant.
Coding change: c.460G>A on transcript NM_001145715.3 (MANE Select); coding-DNA position 460, G replaced by A.
Protein change: p.Glu154Lys; replaces glutamic acid 154 with lysine.
Molecular consequence: missense variant.
Genome position (GRCh38, 1-based): chr7:99,195,163, C>T on the plus strand (G>A on the coding strand, the complement: KPNA7 is on the minus strand). VCF-style: chr7-99195163-C-T. GRCh37 (hg19) VCF-style: chr7-98792786-C-T.
Other names: c.460G>A (NM_001145715.1); short protein forms E154K.
Identifiers: ClinVar variation 1376788 (VCV001376788.4), dbSNP rs1013058063, ClinGen allele CA163746627.

ClinVar aggregate classification (germline): Uncertain significance. Review status: criteria provided, multiple submitters, no conflicts (2 of 4 stars). 2 submissions from 2 submitters: Uncertain significance (2). Last evaluated 2024-02-27.

Allele frequency attached by ClinVar (database versions not stated): gnomAD exomes 0.00001; gnomAD 0.00013; TOPMed 0.00014; 1000 Genomes Project 30x 0.00016.
gnomAD v4.1: 36 of 1,551,626 alleles (0.0023%); highest among the groups gnomAD compares: African/African-American, 0.048%; no homozygotes.

Submissions (2):

Ambry Genetics
Classification: Uncertain significance. Last evaluated: 2024-02-27. Review status: criteria provided, single submitter. Criteria: Ambry Variant Classification Scheme 2023. Collection method: clinical testing. Allele origin: germline.

Labcorp Genetics (formerly Invitae), Labcorp
Classification: Uncertain significance. Last evaluated: 2022-08-10. Review status: criteria provided, single submitter. Criteria: Invitae Variant Classification Sherloc (09022015). Collection method: clinical testing. Allele origin: germline.
Comment: This sequence change replaces glutamic acid, which is acidic and polar, with lysine, which is basic and polar, at codon 154 of the KPNA7 protein (p.Glu154Lys). This variant is present in population databases (no rsID available, gnomAD 0.02%). This variant has not been reported in the literature in individuals affected with KPNA7-related conditions. ClinVar contains an entry for this variant (Variation ID: 1376788). Algorithms developed to predict the effect of missense changes on protein structure and function output the following: SIFT: "Tolerated"; PolyPhen-2: "Benign"; Align-GVGD: "Class C0". The lysine amino acid residue is found in multiple mammalian species, which suggests that this missense change does not adversely affect protein function. Algorithms developed to predict the effect of sequence changes on RNA splicing suggest that this variant may create or strengthen a splice site. In summary, the available evidence is currently insufficient to determine the role of this variant in disease. Therefore, it has been classified as a Variant of Uncertain Significance.